The following is an entry in ClinVar:

ClinVar aggregate classification (germline): Uncertain significance (1 of 4 stars; one submission).

Conditions:
Immunodeficiency 77. Identifiers: MedGen C5543173, MONDO:0030973, OMIM 619223.

gnomAD v4.1: 8 of 1,614,186 alleles (0.0005%); highest among the groups gnomAD compares: South Asian, 0.0011%; no homozygotes.

Submission:

Laboratorio de Genetica e Diagnostico Molecular, Hospital Israelita Albert Einstein
Classification: Uncertain significance for Immunodeficiency 77. Last evaluated: 2024-06-06. Review status: criteria provided, single submitter. Criteria: ACMG Guidelines, 2015. Collection method: clinical testing. Allele origin: germline. Affected: yes.
Comment: ACMG classification criteria: PM2 supporting

NM_001039396.2(MPEG1):c.1136G>T (p.Gly379Val)

Gene: MPEG1 (macrophage expressed 1; minus strand). Cytogenetic location: 11q12.1.
Variant type: single nucleotide variant.
Coding change: c.1136G>T on transcript NM_001039396.2 (MANE Select); coding-DNA position 1136, G replaced by T.
Protein change: p.Gly379Val; replaces glycine 379 with valine.
Molecular consequence: missense variant.
Genome position (GRCh38, 1-based): chr11:59,211,730, C>A on the plus strand (G>T on the coding strand, the complement: MPEG1 is on the minus strand). VCF-style: chr11-59211730-C-A. GRCh37 (hg19) VCF-style: chr11-58979203-C-A.
Other names: short protein forms G379V.
Identifiers: ClinVar variation 4056620 (VCV004056620.1).